The following is an entry in ClinVar:

ClinVar aggregate classification (germline): Pathogenic (1 of 4 stars; one submission).

Submission:

GeneDx
Classification: Pathogenic. Last evaluated: 2017-01-11. Review status: criteria provided, single submitter. Criteria: GeneDx Variant Classification (06012015). Collection method: clinical testing. Allele origin: germline. Affected: yes.
Comment: The Q349X variant in the GATAD2B gene has not been reported previously as a pathogenic variant nor as a benign variant, to our knowledge. This variant is predicted to cause loss of normal protein function either through protein truncation or nonsense-mediated mRNA decay. The Q349X variant was not observed in approximately 6500 individuals of European and African American ancestry in the NHLBI Exome Sequencing Project, indicating it is not a common benign variant in these populations. We interpret Q349X as a pathogenic variant.

NM_020699.4(GATAD2B):c.1045C>T (p.Gln349Ter)

Gene: GATAD2B (GATA zinc finger domain containing 2B; minus strand). Cytogenetic location: 1q21.3.
Variant type: single nucleotide variant.
Coding change: c.1045C>T on transcript NM_020699.4 (MANE Select); coding-DNA position 1045, C replaced by T.
Protein change: p.Gln349Ter; replaces glutamine 349 with a stop codon.
Molecular consequence: nonsense.
Genome position (GRCh38, 1-based): chr1:153,816,444, G>A on the plus strand (C>T on the coding strand, the complement: GATAD2B is on the minus strand). VCF-style: chr1-153816444-G-A. GRCh37 (hg19) VCF-style: chr1-153788920-G-A.
Other names: short protein forms Q349*.
Identifiers: ClinVar variation 391977 (VCV000391977.2), dbSNP rs1057524308, ClinGen allele CA16603416.